The following is an entry in ClinVar:

NM_000057.4(BLM):c.160G>A (p.Val54Ile)

Gene: BLM (BLM RecQ like helicase; plus strand). Cytogenetic location: 15q26.1.
Variant type: single nucleotide variant.
Coding change: c.160G>A on transcript NM_000057.4 (MANE Select); coding-DNA position 160, G replaced by A.
Protein change: p.Val54Ile; replaces valine 54 with isoleucine.
Molecular consequence: missense variant. On other transcripts: 5 prime UTR variant (1).
Genome position (GRCh38, 1-based): chr15:90,749,428, G>A. VCF-style: chr15-90749428-G-A. GRCh37 (hg19) VCF-style: chr15-91292658-G-A.
Other names: c.160G>A, p.Val54Ile (NM_001287246.2, NM_001287247.2); c.-1132G>A (NM_001287248.2); short protein forms V54I.
Identifiers: ClinVar variation 3223956 (VCV003223956.1), dbSNP rs2151146756, ClinGen allele CA393839514.
Genomic context (GRCh38, chr15:90,749,428, plus strand): 5'-GGTTTCACTTTTAAAAAGAAAACATCTTCAGATAACAATGTATCTGTAACTAATGTGTCA[G>A]TAGCAAAAACACCTGTATTAAGAAATAAAGATGTTAATGTTACCGAAGACTTTTCCTTCA-3'
Protein context (NP_000048.1, residues 44-64): DNNVSVTNVS[Val54Ile]AKTPVLRNKD

ClinVar aggregate classification (germline): Uncertain significance (1 of 4 stars; one submission).

Conditions:
Hereditary cancer-predisposing syndrome. Also called: Tumor predisposition; Hereditary neoplastic syndrome; Hereditary Cancer Syndrome; Neoplastic Syndromes, Hereditary. Identifiers: Orphanet 140162, MedGen C0027672, MeSH D009386, MONDO:0015356.

Submission:

Ambry Genetics
Classification: Uncertain significance for Hereditary cancer-predisposing syndrome. Last evaluated: 2024-02-04. Review status: criteria provided, single submitter. Criteria: Ambry Variant Classification Scheme 2023. Collection method: clinical testing. Allele origin: germline.
Comment: The p.V54I variant (also known as c.160G>A), located in coding exon 2 of the BLM gene, results from a G to A substitution at nucleotide position 160. The valine at codon 54 is replaced by isoleucine, an amino acid with highly similar properties. This amino acid position is conserved. In addition, this alteration is predicted to be tolerated by in silico analysis. Based on the available evidence, the clinical significance of this alteration remains unclear.